The following is an entry in ClinVar:

NM_001267550.2(TTN):c.107487G>C (p.Glu35829Asp)

Genes: TTN-AS1 (TTN antisense RNA 1; plus strand), TTN (titin; minus strand). Cytogenetic location: 2q31.2.
Variant type: single nucleotide variant.
Coding change: c.107487G>C on transcript NM_001267550.2 (MANE Select); coding-DNA position 107487, G replaced by C.
Protein change: p.Glu35829Asp; replaces glutamic acid 35829 with aspartic acid.
Molecular consequence: missense variant.
Genome position (GRCh38, 1-based): chr2:178,527,639, C>G on the plus strand (G>C on the coding strand, the complement: TTN is on the minus strand). VCF-style: chr2-178527639-C-G. GRCh37 (hg19) VCF-style: chr2-179392366-C-G.
Other names: c.102564G>C, p.Glu34188Asp (NM_001256850.1); c.80292G>C, p.Glu26764Asp (NM_003319.4); c.99783G>C, p.Glu33261Asp (NM_133378.4); c.80667G>C, p.Glu26889Asp (NM_133432.3); c.80868G>C, p.Glu26956Asp (NM_133437.4); short protein forms E26764D, E26889D, E26956D, E33261D, E34188D, E35829D.
Identifiers: ClinVar variation 1060898 (VCV001060898.7), dbSNP rs2154130286, ClinGen allele CA349400752.

ClinVar aggregate classification (germline): Uncertain significance (1 of 4 stars; one submission).

Conditions:
Autosomal recessive limb-girdle muscular dystrophy type 2J (LGMDR10). Also called: MUSCULAR DYSTROPHY, LIMB-GIRDLE, AUTOSOMAL RECESSIVE 10; Limb-girdle muscular dystrophy, type 2J. Identifiers: Orphanet 140922, MedGen C1837342, MONDO:0012127, OMIM 608807.
Dilated cardiomyopathy 1G (CMD1G). Identifiers: Orphanet 154, MedGen C1858763, MONDO:0011400, OMIM 604145.

gnomAD v4.1: 1 of 1,613,938 alleles (0.000062%); highest among the groups gnomAD compares: Non-Finnish European, 0.000085%; no homozygotes.

Submission:

Labcorp Genetics (formerly Invitae), Labcorp
Classification: Uncertain significance for Dilated cardiomyopathy 1G; Autosomal recessive limb-girdle muscular dystrophy type 2J. Last evaluated: 2020-02-18. Review status: criteria provided, single submitter. Criteria: Invitae Variant Classification Sherloc (09022015). Collection method: clinical testing. Allele origin: germline.
Comment: This sequence change replaces glutamic acid with aspartic acid at codon 35829 of the TTN protein (p.Glu35829Asp). There is a small physicochemical difference between glutamic acid and aspartic acid. This variant is not present in population databases (ExAC no frequency). This variant has not been reported in the literature in individuals with TTN-related conditions. In summary, the available evidence is currently insufficient to determine the role of this variant in disease. Therefore, it has been classified as a Variant of Uncertain Significance. This variant is located in the M band of TTN (PMID: 25589632). Variants in this region may be relevant for neuromuscular disorders, but have not been definitively shown to cause cardiomyopathy (PMID: 23975875). Algorithms developed to predict the effect of missense changes on protein structure and function are unavailable for the TTN gene.

Literature cited by the submitters: PubMed 25589632; PubMed 23975875.